The following is an entry in ClinVar:

ClinVar aggregate classification (germline): Uncertain significance. Review status: criteria provided, multiple submitters, no conflicts (2 of 4 stars). 6 submissions from 6 submitters: Uncertain significance (5). 1 of the submissions does not count toward it. Last evaluated 2026-05-21.

Conditions:
Autosomal recessive ataxia, Beauce type. Also called: SYNE1 Deficiency; ATAXIA, RECESSIVE, OF BEAUCE; SYNE1-Related Autosomal Recessive Cerebellar Ataxia; Spinocerebellar ataxia, autosomal recessive 8. Identifiers: Orphanet 88644, MedGen C1853116, MONDO:0012549, OMIM 610743.
Emery-Dreifuss muscular dystrophy 4, autosomal dominant (EDMD4). Also called: EMERY-DREIFUSS MUSCULAR DYSTROPHY 4 WITH VARIABLE FEATURES. Identifiers: Orphanet 261, MedGen C2751807, MONDO:0013071, OMIM 612998.

Allele frequency attached by ClinVar (database versions not stated): ExAC 0.00002; gnomAD exomes 0.00002; gnomAD 0.00004 and 0.00005; TOPMed 0.00005.
gnomAD v4.1: 65 of 1,614,066 alleles (0.004%); highest among the groups gnomAD compares: Non-Finnish European, 0.0047%; 1 homozygote.

Submissions (6):

Victorian Clinical Genetics Services, Murdoch Childrens Research Institute
Classification: Uncertain significance for Autosomal recessive ataxia, Beauce type. Last evaluated: 2026-05-21. Review status: criteria provided, single submitter. Criteria: ACMG Guidelines, 2015. Collection method: clinical testing. Allele origin: germline. Affected: yes.
Comment: This variant is classified as VUS-3B. Evidence in support of pathogenic classification: Variant is present in gnomAD <0.01 (v4: 59 heterozygote(s), 1 homozygote(s)); Heterozygous variant detected in trans with a PATHOGENIC heterozygous variant (NM_182961.4(SYNE1):c.4561C>T; p.(Arg1521*)) in a recessive disease. Additional information: Variant is predicted to result in a missense amino acid change from Glu to Lys; This variant is non-coding in an alternative transcript. This variant is coding in the longest isoform, the MANE transcript NM_182961.4, but non-coding in the MANE clinical transcript NM_001347702.2, which is known to have variants associated with arthrogryposis multiplex congenita, myogenic type (MIM#618484); This variant is heterozygous; This gene is associated with both recessive and dominant disease. Monoallelic variants can cause Emery-Dreifuss muscular dystrophy 4 (MIM#612998), whereas biallelic variants can cause either myogenic type arthrogryposis multiplex congenita 3 (MIM#618484) or spinocerebellar ataxia 8 (MIM#610743). Variants causing arthrogryposis typically truncate the C-terminal KASH domain in the muscle-specific isoform, whereas variants associated with spinocerebellar ataxia affect the longest isoform (OMIM); Alternative amino acid change(s) at the same position are present in gnomAD (highest allele count: v4: 10 heterozygote(s), 0 homozygote(s)); Previous evidence of pathogenicity for this variant is inconclusive. This variant has been classified as a VUS by clinical laboratories in ClinVar, and reported in the literature in a compound heterozygous state in an individual with arthrogryposis (PMID: 31230720); No published evidence of segregation with disease has been identified for this variant; No published functional evidence has been identified for this variant; No comparable missense variants have previous evidence for pathogenicity; Variant is not located in an established domain, motif, hotspot or informative constraint region; Missense variant with inconclusive in silico prediction and/or uninformative conservation; Loss of function is a known mechanism of disease in this gene and is associated with spinocerebellar ataxia, autosomal recessive 8 (SCAR8; MIM#610743), and arthrogryposis multiplex congenita, myogenic type (MIM#618484). Dominant negative and gain of function are suggested mechanisms associated with Emery-Dreifuss muscular dystrophy 4, autosomal dominant (MIM#612998); Variants in this gene associated with spinocerebellar ataxia are known to have variable expressivity, including variable age of onset and severity (PMID: 20301553).

Labcorp Genetics (formerly Invitae), Labcorp
Classification: Uncertain significance for Emery-Dreifuss muscular dystrophy 4, autosomal dominant; Autosomal recessive ataxia, Beauce type. Last evaluated: 2025-05-27. Review status: criteria provided, single submitter. Criteria: Invitae Variant Classification Sherloc (09022015). Collection method: clinical testing. Allele origin: germline.
Comment: This sequence change replaces glutamic acid, which is acidic and polar, with lysine, which is basic and polar, at codon 947 of the SYNE1 protein (p.Glu947Lys). This variant is present in population databases (rs757479164, gnomAD 0.004%). This missense change has been observed in individual(s) with clinical features of SYNE1-related conditions (PMID: 31230720). ClinVar contains an entry for this variant (Variation ID: 355933). An algorithm developed to predict the effect of missense changes on protein structure and function (PolyPhen-2) suggests that this variant is likely to be disruptive. In summary, the available evidence is currently insufficient to determine the role of this variant in disease. Therefore, it has been classified as a Variant of Uncertain Significance.

CeGaT Center for Human Genetics Tuebingen
Classification: Uncertain significance. Last evaluated: 2022-09-01. Review status: criteria provided, single submitter. Criteria: CeGaT Center For Human Genetics Tuebingen Variant Classification Criteria Version 2. Collection method: clinical testing. Allele origin: germline. Affected: yes. Observed: 1 variant allele.

Revvity Omics, Revvity
Classification: Uncertain significance. Last evaluated: 2019-07-24. Review status: criteria provided, single submitter. Criteria: ACMG Guidelines, 2015. Collection method: clinical testing. Allele origin: germline.

Illumina Laboratory Services, Illumina
Classification: Uncertain significance for Autosomal recessive ataxia, Beauce type. Last evaluated: 2018-01-13. Review status: criteria provided, single submitter. Criteria: ICSL Variant Classification Criteria 13 December 2019. Collection method: clinical testing. Allele origin: germline.

Lupski Lab, Baylor-Hopkins CMG, Baylor College of Medicine
Classification: Pathogenic for Emery-Dreifuss muscular dystrophy 4, autosomal dominant. Review status: no assertion criteria provided. Collection method: research. Allele origin: inherited. Inheritance: Autosomal recessive inheritance. Affected: yes. Observed: 2 variant alleles, 1 heterozygote, 1 compound heterozygote. Not counted in ClinVar's aggregate classification.

Literature cited by the submitters: PubMed 31230720 (cited by Victorian Clinical Genetics Services, Murdoch Childrens Research Institute and Labcorp Genetics (formerly Invitae), Labcorp); PubMed 20301553 (cited by Victorian Clinical Genetics Services, Murdoch Childrens Research Institute).

NM_182961.4(SYNE1):c.2818G>A (p.Glu940Lys)

Gene: SYNE1 (spectrin repeat containing nuclear envelope protein 1; minus strand). Cytogenetic location: 6q25.2.
Variant type: single nucleotide variant.
Coding change: c.2818G>A on transcript NM_182961.4 (MANE Select); coding-DNA position 2818, G replaced by A.
Protein change: p.Glu940Lys; replaces glutamic acid 940 with lysine.
Molecular consequence: missense variant.
Genome position (GRCh38, 1-based): chr6:152,455,500, C>T on the plus strand (G>A on the coding strand, the complement: SYNE1 is on the minus strand). VCF-style: chr6-152455500-C-T. GRCh37 (hg19) VCF-style: chr6-152776635-C-T.
Other names: c.2839G>A, p.Glu947Lys (NM_033071.5); short protein forms E947K, E940K.
Identifiers: ClinVar variation 355933 (VCV000355933.42), dbSNP rs757479164, ClinGen allele CA4059024.